The following is an entry in ClinVar:

ClinVar aggregate classification (germline): Likely benign. Review status: criteria provided, single submitter (1 of 4 stars). 2 submissions from 2 submitters: Likely benign (1). 1 of the submissions does not count toward it. Last evaluated 2023-04-23.

Conditions:
Bardet-Biedl syndrome (BBS). Identifiers: Orphanet 110, MedGen C0752166, MONDO:0015229.
BBS1-related disorder. Also called: BBS1-related condition.

Allele frequency attached by ClinVar (database versions not stated): gnomAD exomes below 0.00001; TOPMed below 0.00001; ExAC 0.00003; gnomAD 0.00001.
gnomAD v4.1: 4 of 1,585,812 alleles (0.00025%); highest among the groups gnomAD compares: African/African-American, 0.0014%; no homozygotes.

Submissions (2):

Labcorp Genetics (formerly Invitae), Labcorp
Classification: Likely benign for Bardet-Biedl syndrome. Last evaluated: 2023-04-23. Review status: criteria provided, single submitter. Criteria: Invitae Variant Classification Sherloc (09022015). Collection method: clinical testing. Allele origin: germline.

PreventionGenetics, part of Exact Sciences
Classification: Likely benign for BBS1-related condition. Last evaluated: 2024-03-29. Review status: no assertion criteria provided. Collection method: clinical testing. Allele origin: germline. Not counted in ClinVar's aggregate classification.
Comment: This variant is classified as likely benign based on ACMG/AMP sequence variant interpretation guidelines (Richards et al. 2015 PMID: 25741868, with internal and published modifications).

NM_024649.5(BBS1):c.1696-4A>G

Genes: BBS1 (Bardet-Biedl syndrome 1; plus strand), ZDHHC24 (zDHHC palmitoyltransferase 24; minus strand). Cytogenetic location: 11q13.2.
Variant type: single nucleotide variant.
Coding change: c.1696-4A>G on transcript NM_024649.5 (MANE Select); 4 bases into the intron before coding-DNA position 1696, A replaced by G.
Molecular consequence: intron variant.
Genome position (GRCh38, 1-based): chr11:66,531,947, A>G. VCF-style: chr11-66531947-A-G. GRCh37 (hg19) VCF-style: chr11-66299418-A-G.
Other names: c.560-2459T>C (NM_001348571.2).
Identifiers: ClinVar variation 3012430 (VCV003012430.4), dbSNP rs761149202, ClinGen allele CA6123876.
Genomic context (GRCh38, chr11:66,531,947, plus strand): 5'-CAGCGCAGACCAGGCAAGGGGTCAGGGGTGTATGCCCCCTGCTGCCATGGCCACTCCTCC[A>G]TAGGTGCTGGTGCTTCGAGAAGGCCAAAGTGCACCCCTGCTGAGTGCCCACGTCAACATG-3'